The following is an entry in ClinVar:

ClinVar aggregate classification (germline): Uncertain significance (1 of 4 stars; one submission).

Conditions:
Bethlem myopathy 1A. Also called: MYOPATHY, BENIGN CONGENITAL, WITH CONTRACTURES; Bethlem myopathy 1; Bethlem Muscular Dystrophy. Identifiers: Orphanet 610, MedGen CN029274, MONDO:0024530, OMIM 158810.

Submission:

Labcorp Genetics (formerly Invitae), Labcorp
Classification: Uncertain significance for Bethlem myopathy 1A. Last evaluated: 2023-12-27. Review status: criteria provided, single submitter. Criteria: Invitae Variant Classification Sherloc (09022015). Collection method: clinical testing. Allele origin: germline.
Comment: This sequence change replaces glycine, which is neutral and non-polar, with arginine, which is basic and polar, at codon 409 of the COL6A3 protein (p.Gly409Arg). This variant is not present in population databases (gnomAD no frequency). This variant has not been reported in the literature in individuals affected with COL6A3-related conditions. Advanced modeling of protein sequence and biophysical properties (such as structural, functional, and spatial information, amino acid conservation, physicochemical variation, residue mobility, and thermodynamic stability) performed at Invitae indicates that this missense variant is not expected to disrupt COL6A3 protein function with a negative predictive value of 95%. In summary, the available evidence is currently insufficient to determine the role of this variant in disease. Therefore, it has been classified as a Variant of Uncertain Significance.

NM_004369.4(COL6A3):c.1225G>A (p.Gly409Arg)

Gene: COL6A3 (collagen type VI alpha 3 chain; minus strand). Cytogenetic location: 2q37.3.
Variant type: single nucleotide variant.
Coding change: c.1225G>A on transcript NM_004369.4 (MANE Select); coding-DNA position 1225, G replaced by A.
Protein change: p.Gly409Arg; replaces glycine 409 with arginine.
Molecular consequence: missense variant. On other transcripts: intron variant (2).
Genome position (GRCh38, 1-based): chr2:237,387,669, C>T on the plus strand (G>A on the coding strand, the complement: COL6A3 is on the minus strand). VCF-style: chr2-237387669-C-T. GRCh37 (hg19) VCF-style: chr2-238296312-C-T.
Other names: c.607G>A, p.Gly203Arg (NM_057165.5, NM_057167.4); c.92-6170G>A (NM_057166.5, NM_057164.5); short protein forms G203R, G409R.
Identifiers: ClinVar variation 2702102 (VCV002702102.3), dbSNP rs2469947664, ClinGen allele CA351221000.